The following is an entry in ClinVar:

ClinVar aggregate classification (germline): Uncertain significance (1 of 4 stars; one submission).

gnomAD v4.1: 1 of 1,614,042 alleles (0.000062%); highest among the groups gnomAD compares: Admixed American, 0.0017%; no homozygotes.

Submission:

Labcorp Genetics (formerly Invitae), Labcorp
Classification: Uncertain significance. Last evaluated: 2024-04-18. Review status: criteria provided, single submitter. Criteria: Invitae Variant Classification Sherloc (09022015). Collection method: clinical testing. Allele origin: germline.
Comment: This sequence change replaces aspartic acid, which is acidic and polar, with glycine, which is neutral and non-polar, at codon 287 of the SIAE protein (p.Asp287Gly). This variant is not present in population databases (gnomAD no frequency). This variant has not been reported in the literature in individuals affected with SIAE-related conditions. An algorithm developed to predict the effect of missense changes on protein structure and function (PolyPhen-2) suggests that this variant is likely to be disruptive. In summary, the available evidence is currently insufficient to determine the role of this variant in disease. Therefore, it has been classified as a Variant of Uncertain Significance.

NM_170601.5(SIAE):c.860A>G (p.Asp287Gly)

Gene: SIAE (sialic acid acetylesterase; minus strand). Cytogenetic location: 11q24.2.
Variant type: single nucleotide variant.
Coding change: c.860A>G on transcript NM_170601.5 (MANE Select); coding-DNA position 860, A replaced by G.
Protein change: p.Asp287Gly; replaces aspartic acid 287 with glycine.
Molecular consequence: missense variant.
Genome position (GRCh38, 1-based): chr11:124,647,471, T>C on the plus strand (A>G on the coding strand, the complement: SIAE is on the minus strand). VCF-style: chr11-124647471-T-C. GRCh37 (hg19) VCF-style: chr11-124517367-T-C.
Other names: c.755A>G, p.Asp252Gly (NM_001199922.2); short protein forms D287G, D252G.
Identifiers: ClinVar variation 2999652 (VCV002999652.3), dbSNP rs550541077, ClinGen allele CA383148951.